The following is an entry in ClinVar:

ClinVar aggregate classification (germline): Uncertain significance. Review status: criteria provided, single submitter (1 of 4 stars). 2 submissions from 2 submitters: Uncertain significance (1). 1 of the submissions does not count toward it. Last evaluated 2022-06-10.

Conditions:
Dyschromatosis universalis hereditaria 1 (DUH1). Identifiers: MedGen C2675711, MONDO:0024524, OMIM 127500.

Submissions (2):

Revvity Omics, Revvity
Classification: Uncertain significance. Last evaluated: 2022-06-10. Review status: criteria provided, single submitter. Criteria: ACMG Guidelines, 2015. Collection method: clinical testing. Allele origin: germline.

Institute  of  Dermatology, Anhui  Medical  University
Classification: Likely pathogenic for Dyschromatosis universalis hereditaria 1. Last evaluated: 2021-03-30. Review status: no assertion criteria provided. Collection method: research. Allele origin: inherited. Inheritance: Autosomal dominant inheritance. Affected: yes. Not counted in ClinVar's aggregate classification.
Comment: Sanger sequencing were performed to investigate the clinical manifestation and molecular genetic basis of a Chinese family with Dyschromatosis universalis Hereditaria. A novel mutation c.1529G>A ï¼ˆ(hg38) chr6:g.148531626G>A/ c.1529G>A/p.S510Nï¼‰of SASH1 was identified, all in silico predictors suggested the observed substitution in mutation is deleterious: SIFT (deleterious, score=0.017 ), PolyPhen (probably damaging, score =1 ), Mutation Taster (disease-causing, p=1 ), furthermore multiple sequencesÂ alignment of SASH1 revealed that the p.S510N highly conservation during evolution.

Literature cited by the submitters: DOI 10.1111/jcmm.13022 (cited by Institute  of  Dermatology, Anhui  Medical  University); DOI 10.3389/fgene.2020.00841 (cited by Institute  of  Dermatology, Anhui  Medical  University); DOI 10.7150/ijbs.38415 (cited by Institute  of  Dermatology, Anhui  Medical  University).

NM_015278.5(SASH1):c.1529G>A (p.Ser510Asn)

Gene: SASH1 (SAM and SH3 domain containing 1; plus strand). Cytogenetic location: 6q25.1.
Variant type: single nucleotide variant.
Coding change: c.1529G>A on transcript NM_015278.5 (MANE Select); coding-DNA position 1529, G replaced by A.
Protein change: p.Ser510Asn; replaces serine 510 with asparagine.
Molecular consequence: missense variant.
Genome position (GRCh38, 1-based): chr6:148,531,626, G>A. VCF-style: chr6-148531626-G-A. GRCh37 (hg19) VCF-style: chr6-148852762-G-A.
Other names: c.1394G>A, p.Ser465Asn (NM_001346505.2); c.1157G>A, p.Ser386Asn (NM_001346506.2); c.812G>A, p.Ser271Asn (NM_001346507.2); c.1301G>A, p.Ser434Asn (NM_001346508.2); c.1178G>A, p.Ser393Asn (NM_001346509.2); short protein forms S271N, S386N, S393N, S434N, S465N, S510N.
Identifiers: ClinVar variation 1048561 (VCV001048561.5), dbSNP rs2115402495, ClinGen allele CA365987381.